The following is an entry in ClinVar:

ClinVar aggregate classification (germline): Uncertain significance (1 of 4 stars; one submission).

Conditions:
Gorlin syndrome. Also called: Nevoid Basal Cell Carcinoma Syndrome; Basal cell nevus syndrome. Identifiers: Orphanet 377, MedGen C0004779, MONDO:0007187.

Submission:

Labcorp Genetics (formerly Invitae), Labcorp
Classification: Uncertain significance for Gorlin syndrome. Last evaluated: 2023-04-15. Review status: criteria provided, single submitter. Criteria: Invitae Variant Classification Sherloc (09022015). Collection method: clinical testing. Allele origin: germline.
Comment: Advanced modeling of protein sequence and biophysical properties (such as structural, functional, and spatial information, amino acid conservation, physicochemical variation, residue mobility, and thermodynamic stability) has been performed at Invitae for this missense variant, however the output from this modeling did not meet the statistical confidence thresholds required to predict the impact of this variant on PTCH2 protein function. In summary, the available evidence is currently insufficient to determine the role of this variant in disease. Therefore, it has been classified as a Variant of Uncertain Significance. This variant has not been reported in the literature in individuals affected with PTCH2-related conditions. This variant is not present in population databases (gnomAD no frequency). This sequence change replaces tyrosine, which is neutral and polar, with cysteine, which is neutral and slightly polar, at codon 785 of the PTCH2 protein (p.Tyr785Cys).

NM_003738.5(PTCH2):c.2354A>G (p.Tyr785Cys)

Gene: PTCH2 (patched 2; minus strand). Cytogenetic location: 1p34.1.
Variant type: single nucleotide variant.
Coding change: c.2354A>G on transcript NM_003738.5 (MANE Select); coding-DNA position 2354, A replaced by G.
Protein change: p.Tyr785Cys; replaces tyrosine 785 with cysteine.
Molecular consequence: missense variant.
Genome position (GRCh38, 1-based): chr1:44,827,419, T>C on the plus strand (A>G on the coding strand, the complement: PTCH2 is on the minus strand). VCF-style: chr1-44827419-T-C. GRCh37 (hg19) VCF-style: chr1-45293091-T-C.
Other names: c.2354A>G, p.Tyr785Cys (NM_001166292.2); short protein forms Y785C.
Identifiers: ClinVar variation 2994122 (VCV002994122.3), dbSNP rs2521957555, ClinGen allele CA340096091.